The following is an entry in ClinVar:

ClinVar aggregate classification (germline): Uncertain significance (1 of 4 stars; one submission).

Submission:

Ambry Genetics
Classification: Uncertain significance. Last evaluated: 2023-01-09. Review status: criteria provided, single submitter. Criteria: Ambry Variant Classification Scheme 2023. Collection method: clinical testing. Allele origin: germline.
Comment: The p.P608L variant (also known as c.1823C>T), located in coding exon 17 of the PRKDC gene, results from a C to T substitution at nucleotide position 1823. The proline at codon 608 is replaced by leucine, an amino acid with similar properties. This amino acid position is conserved. In addition, the in silico prediction for this alteration is inconclusive. Since supporting evidence is limited at this time, the clinical significance of this alteration remains unclear.

NM_006904.7(PRKDC):c.1823C>T (p.Pro608Leu)

Gene: PRKDC (protein kinase, DNA-activated, catalytic subunit; minus strand). Cytogenetic location: 8q11.21.
Variant type: single nucleotide variant.
Coding change: c.1823C>T on transcript NM_006904.7 (MANE Select); coding-DNA position 1823, C replaced by T.
Protein change: p.Pro608Leu; replaces proline 608 with leucine.
Molecular consequence: missense variant.
Genome position (GRCh38, 1-based): chr8:47,930,741, G>A on the plus strand (C>T on the coding strand, the complement: PRKDC is on the minus strand). VCF-style: chr8-47930741-G-A. GRCh37 (hg19) VCF-style: chr8-48843301-G-A.
Other names: c.1823C>T, p.Pro608Leu (NM_001081640.2); short protein forms P608L.
Identifiers: ClinVar variation 2497409 (VCV002497409.2), dbSNP rs2551878779, ClinGen allele CA371164767.